The following is an entry in ClinVar:

ClinVar aggregate classification (germline): Likely benign. Review status: criteria provided, multiple submitters, no conflicts (2 of 4 stars). 2 submissions from 2 submitters: Likely benign (2). Last evaluated 2025-02-27.

Conditions:
HERC2-related disorder. Also called: HERC2-related condition.

Submissions (2):

PreventionGenetics, part of Exact Sciences
Classification: Likely benign for HERC2-related condition. Last evaluated: 2025-02-27. Review status: criteria provided, single submitter. Criteria: ACMG Guidelines, 2015. Collection method: clinical testing. Allele origin: germline.
Comment: This variant is classified as likely benign based on ACMG/AMP sequence variant interpretation guidelines (Richards et al. 2015 PMID: 25741868, with internal and published modifications).

Blueprint Genetics
Classification: Likely benign. Last evaluated: 2024-11-27. Review status: criteria provided, single submitter. Criteria: ACMG Guidelines, 2015. Collection method: clinical testing. Allele origin: germline.

NM_004667.6(HERC2):c.10011C>T (p.Pro3337=)

Gene: HERC2 (HECT and RLD domain containing E3 ubiquitin protein ligase 2; minus strand). Cytogenetic location: 15q13.1.
Variant type: single nucleotide variant.
Coding change: c.10011C>T on transcript NM_004667.6 (MANE Select); coding-DNA position 10011, C replaced by T.
Protein change: p.Pro3337=; no amino-acid change (proline 3337 retained).
Molecular consequence: synonymous variant.
Genome position (GRCh38, 1-based): chr15:28,174,441, G>A on the plus strand (C>T on the coding strand, the complement: HERC2 is on the minus strand). VCF-style: chr15-28174441-G-A. GRCh37 (hg19) VCF-style: chr15-28419587-G-A.
Other names: c.10011C>T (NM_004667.5).
Identifiers: ClinVar variation 4923682 (VCV004923682.2).